The following is an entry in ClinVar:

ClinVar aggregate classification (germline): Uncertain significance (1 of 4 stars; one submission).

Conditions:
Isovaleryl-CoA dehydrogenase deficiency (IVA). Also called: Isovaleric acidemia; Classic Isovaleric Acidemia; ISOVALERIC ACID CoA DEHYDROGENASE DEFICIENCY; IVD DEFICIENCY. Identifiers: Orphanet 33, MedGen C0268575, MONDO:0009475, OMIM 243500.

gnomAD v4.1: 3 of 1,614,062 alleles (0.00019%); highest among the groups gnomAD compares: Non-Finnish European, 0.00025%; no homozygotes.

Submission:

Labcorp Genetics (formerly Invitae), Labcorp
Classification: Uncertain significance for Isovaleryl-CoA dehydrogenase deficiency. Last evaluated: 2022-04-20. Review status: criteria provided, single submitter. Criteria: Invitae Variant Classification Sherloc (09022015). Collection method: clinical testing. Allele origin: germline.
Comment: In summary, the available evidence is currently insufficient to determine the role of this variant in disease. Therefore, it has been classified as a Variant of Uncertain Significance. Variants that disrupt the consensus splice site are a relatively common cause of aberrant splicing (PMID: 17576681, 9536098). Algorithms developed to predict the effect of sequence changes on RNA splicing suggest that this variant is not likely to affect RNA splicing. This variant has not been reported in the literature in individuals affected with IVD-related conditions. This variant is not present in population databases (gnomAD no frequency). This sequence change falls in intron 4 of the IVD gene. It does not directly change the encoded amino acid sequence of the IVD protein. It affects a nucleotide within the consensus splice site.

Literature cited by the submitters: PubMed 17576681; PubMed 9536098.

NM_002225.5(IVD):c.457-3C>T

Gene: IVD (isovaleryl-CoA dehydrogenase; plus strand). Cytogenetic location: 15q15.1.
Variant type: single nucleotide variant.
Coding change: c.457-3C>T on transcript NM_002225.5 (MANE Select); 3 bases into the intron before coding-DNA position 457, C replaced by T.
Molecular consequence: intron variant.
Genome position (GRCh38, 1-based): chr15:40,411,257, C>T. VCF-style: chr15-40411257-C-T. GRCh37 (hg19) VCF-style: chr15-40703456-C-T.
Other names: c.544-3C>T (NM_001354600.3, NM_001354599.3); c.457-3C>T (NM_001354598.3, NM_001354601.3); c.409-3C>T (NM_001354597.3); c.367-3C>T (NM_001159508.3).
Identifiers: ClinVar variation 1958840 (VCV001958840.5), dbSNP rs759264185, ClinGen allele CA2580089366.